The following is an entry in ClinVar:

NM_015631.6(TCTN3):c.606A>G (p.Gln202=)

Gene: TCTN3 (tectonic family member 3; minus strand). Cytogenetic location: 10q24.1.
Variant type: single nucleotide variant.
Coding change: c.606A>G on transcript NM_015631.6 (MANE Select); coding-DNA position 606, A replaced by G.
Protein change: p.Gln202=; no amino-acid change (glutamine 202 retained).
Molecular consequence: synonymous variant. On other transcripts: intron variant (1).
Genome position (GRCh38, 1-based): chr10:95,687,613, T>C on the plus strand (A>G on the coding strand, the complement: TCTN3 is on the minus strand). VCF-style: chr10-95687613-T-C. GRCh37 (hg19) VCF-style: chr10-97447370-T-C.
Other names: c.500-454A>G (NM_001143973.2).
Identifiers: ClinVar variation 941728 (VCV000941728.36), dbSNP rs777642622, ClinGen allele CA5621114.

ClinVar aggregate classification (germline): Likely benign. Review status: criteria provided, multiple submitters, no conflicts (2 of 4 stars). 2 submissions from 2 submitters: Likely benign (2). Last evaluated 2024-02-17.

Conditions:
Joubert syndrome 18 (JBTS18). Identifiers: Orphanet 2754, MedGen C3553758, MONDO:0013896, OMIM 614815.
Orofacial-digital syndrome IV (OFD4). Also called: Orofaciodigital syndrome IV; MOHR-MAJEWSKI SYNDROME; OFD SYNDROME WITH TIBIAL DEFECTS; OFD SYNDROME, BARAITSER-BURN TYPE; OFDS IV; ORAL-FACIAL-DIGITAL SYNDROME, TYPE IV. Identifiers: Orphanet 2753, MedGen C0406727, MONDO:0009794, OMIM 258860.

Allele frequency attached by ClinVar (database versions not stated): ExAC 0.00001; gnomAD 0.00001; gnomAD exomes 0.00002 and 0.00003.
gnomAD v4.1: 42 of 1,614,000 alleles (0.0026%); highest among the groups gnomAD compares: East Asian, 0.0045%; no homozygotes.

Submissions (2):

Labcorp Genetics (formerly Invitae), Labcorp
Classification: Likely benign for Joubert syndrome 18; Orofacial-digital syndrome IV. Last evaluated: 2024-02-17. Review status: criteria provided, single submitter. Criteria: Invitae Variant Classification Sherloc (09022015). Collection method: clinical testing. Allele origin: germline.

CeGaT Center for Human Genetics Tuebingen
Classification: Likely benign. Last evaluated: 2023-06-01. Review status: criteria provided, single submitter. Criteria: CeGaT Center For Human Genetics Tuebingen Variant Classification Criteria Version 2. Collection method: clinical testing. Allele origin: germline. Affected: yes. Observed: 1 variant allele.
Comment: TCTN3: BP4, BP7